The following is an entry in ClinVar:

NM_004153.4(ORC1):c.614C>G (p.Ala205Gly)

Gene: ORC1 (origin recognition complex subunit 1; minus strand). Cytogenetic location: 1p32.3.
Variant type: single nucleotide variant.
Coding change: c.614C>G on transcript NM_004153.4 (MANE Select); coding-DNA position 614, C replaced by G.
Protein change: p.Ala205Gly; replaces alanine 205 with glycine.
Molecular consequence: missense variant.
Genome position (GRCh38, 1-based): chr1:52,396,153, G>C on the plus strand (C>G on the coding strand, the complement: ORC1 is on the minus strand). VCF-style: chr1-52396153-G-C. GRCh37 (hg19) VCF-style: chr1-52861825-G-C.
Other names: c.614C>G, p.Ala205Gly (NM_001190818.2, NM_001190819.2); short protein forms A205G.
Identifiers: ClinVar variation 3303491 (VCV003303491.2).
Genomic context (GRCh38, chr1:52,396,153, plus strand): 5'-GGAGTTTGGCGAGATTTGGAGGCGGAGTGCCTTGATTCAATCCTTTTGGCCACATGTTCT[G>C]CTGGGGTCCAAGAAGGGCTCTCTGCACTCTTACTCTTGGCTCTCACGGGTTTCTGGCACT-3'
Protein context (NP_004144.2, residues 195-215): KSAESPSWTP[Ala205Gly]EHVAKRIESR

ClinVar aggregate classification (germline): Uncertain significance. Review status: criteria provided, multiple submitters, no conflicts (2 of 4 stars). 2 submissions from 2 submitters: Uncertain significance (2). Last evaluated 2025-03-20.

Conditions:
Inborn genetic diseases. Identifiers: MedGen C0950123, MeSH D030342.

gnomAD v4.1: 15 of 1,614,024 alleles (0.00093%); highest among the groups gnomAD compares: Admixed American, 0.0017%; no homozygotes.

Submissions (2):

Labcorp Genetics (formerly Invitae), Labcorp
Classification: Uncertain significance. Last evaluated: 2025-03-20. Review status: criteria provided, single submitter. Criteria: Invitae Variant Classification Sherloc (09022015). Collection method: clinical testing. Allele origin: germline.
Comment: This sequence change replaces alanine, which is neutral and non-polar, with glycine, which is neutral and non-polar, at codon 205 of the ORC1 protein (p.Ala205Gly). This variant is present in population databases (rs754111072, gnomAD 0.002%). This variant has not been reported in the literature in individuals affected with ORC1-related conditions. ClinVar contains an entry for this variant (Variation ID: 3303491). Invitae Evidence Modeling of protein sequence and biophysical properties (such as structural, functional, and spatial information, amino acid conservation, physicochemical variation, residue mobility, and thermodynamic stability) indicates that this missense variant is not expected to disrupt ORC1 protein function with a negative predictive value of 80%. In summary, the available evidence is currently insufficient to determine the role of this variant in disease. Therefore, it has been classified as a Variant of Uncertain Significance.

Ambry Genetics
Classification: Uncertain significance for Inborn genetic diseases. Last evaluated: 2024-03-26. Review status: criteria provided, single submitter. Criteria: Ambry Variant Classification Scheme 2023. Collection method: clinical testing. Allele origin: germline.